The following is an entry in ClinVar:

ClinVar aggregate classification (germline): Uncertain significance (1 of 4 stars; one submission).

Submission:

GeneDx
Classification: Uncertain significance. Last evaluated: 2024-06-02. Review status: criteria provided, single submitter. Criteria: GeneDx Variant Classification Process June 2021. Collection method: clinical testing. Allele origin: germline. Affected: yes.
Comment: Not observed at significant frequency in large population cohorts (gnomAD); In silico analysis supports that this missense variant has a deleterious effect on protein structure/function; Has not been previously published as pathogenic or benign to our knowledge

NM_006180.6(NTRK2):c.2273T>A (p.Val758Glu)

Gene: NTRK2 (neurotrophic receptor tyrosine kinase 2; plus strand). Cytogenetic location: 9q21.33.
Variant type: single nucleotide variant.
Coding change: c.2273T>A on transcript NM_006180.6 (MANE Select); coding-DNA position 2273, T replaced by A.
Protein change: p.Val758Glu; replaces valine 758 with glutamic acid.
Molecular consequence: missense variant.
Genome position (GRCh38, 1-based): chr9:85,020,306, T>A. VCF-style: chr9-85020306-T-A. GRCh37 (hg19) VCF-style: chr9-87635221-T-A.
Other names: c.2225T>A, p.Val742Glu (NM_001018064.3, NM_001369532.1, NM_001369533.1); c.2189T>A, p.Val730Glu (NM_001369534.1); c.1757T>A, p.Val586Glu (NM_001369535.1); c.1805T>A, p.Val602Glu (NM_001369536.1); short protein forms V586E, V602E, V730E, V742E, V758E.
Identifiers: ClinVar variation 3383543 (VCV003383543.1).